The following is an entry in ClinVar:

NM_032888.4(COL27A1):c.883G>A (p.Ala295Thr)

Gene: COL27A1 (collagen type XXVII alpha 1 chain; plus strand). Cytogenetic location: 9q32.
Variant type: single nucleotide variant.
Coding change: c.883G>A on transcript NM_032888.4 (MANE Select); coding-DNA position 883, G replaced by A.
Protein change: p.Ala295Thr; replaces alanine 295 with threonine.
Molecular consequence: missense variant.
Genome position (GRCh38, 1-based): chr9:114,168,438, G>A. VCF-style: chr9-114168438-G-A. GRCh37 (hg19) VCF-style: chr9-116930718-G-A.
Other names: short protein forms A295T.
Identifiers: ClinVar variation 2194298 (VCV002194298.2), dbSNP rs145824150, ClinGen allele CA5201253.
Genomic context (GRCh38, chr9:114,168,438, plus strand): 5'-GCCACACCAGCCCTGGGGTCACTGCCAGCAGGCAGGGGACCCAGGGGGACTGTGGCACCC[G>A]CCACGCCCACCAAGCCCCAAAGGACTAGCCCCACAAACCCTCACCAGCATATGGCGGTGG-3'
Protein context (NP_116277.2, residues 285-305): GRGPRGTVAP[Ala295Thr]TPTKPQRTSP

ClinVar aggregate classification (germline): Uncertain significance. Review status: criteria provided, multiple submitters, no conflicts (2 of 4 stars). 2 submissions from 2 submitters: Uncertain significance (2). Last evaluated 2021-08-24.

Submissions (2):

Labcorp Genetics (formerly Invitae), Labcorp
Classification: Uncertain significance. Last evaluated: 2021-08-24. Review status: criteria provided, single submitter. Criteria: Invitae Variant Classification Sherloc (09022015). Collection method: clinical testing. Allele origin: germline.
Comment: This sequence change replaces alanine with threonine at codon 295 of the COL27A1 protein (p.Ala295Thr). The alanine residue is moderately conserved and there is a small physicochemical difference between alanine and threonine. This variant is present in population databases (rs145824150, ExAC 0.02%). This variant has not been reported in the literature in individuals affected with COL27A1-related conditions. Algorithms developed to predict the effect of missense changes on protein structure and function output the following: SIFT: "Tolerated"; PolyPhen-2: "Not Available"; Align-GVGD: "Class C0". The threonine amino acid residue is found in multiple mammalian species, which suggests that this missense change does not adversely affect protein function. In summary, the available evidence is currently insufficient to determine the role of this variant in disease. Therefore, it has been classified as a Variant of Uncertain Significance.

Breakthrough Genomics
Classification: Uncertain significance. Review status: criteria provided, single submitter. Criteria: ACMG Guidelines, 2015. Collection method: not provided. Allele origin: germline. Inheritance: Autosomal recessive inheritance. Affected: yes.